The following is an entry in ClinVar:

ClinVar aggregate classification (germline): Likely benign (1 of 4 stars; one submission).

Allele frequency attached by ClinVar (database versions not stated): gnomAD 0.00001; gnomAD exomes 0.00001; ExAC 0.00005; 1000 Genomes Project 30x 0.00016; 1000 Genomes Project 0.00020.
gnomAD v4.1: 21 of 1,609,720 alleles (0.0013%); highest among the groups gnomAD compares: South Asian, 0.022%; 1 homozygote.

Submission:

CeGaT Center for Human Genetics Tuebingen
Classification: Likely benign. Last evaluated: 2022-07-01. Review status: criteria provided, single submitter. Criteria: CeGaT Center For Human Genetics Tuebingen Variant Classification Criteria Version 2. Collection method: clinical testing. Allele origin: germline. Affected: yes. Observed: 1 variant allele.
Comment: OSBP2: BP4, BP7

NM_030758.4(OSBP2):c.1314T>C (p.Thr438=)

Genes: OSBP2 (oxysterol binding protein 2; plus strand), LOC107985544 (uncharacterized LOC107985544; minus strand). Cytogenetic location: 22q12.2.
Variant type: single nucleotide variant.
Coding change: c.1314T>C on transcript NM_030758.4 (MANE Select); coding-DNA position 1314, T replaced by C.
Protein change: p.Thr438=; no amino-acid change (threonine 438 retained).
Molecular consequence: synonymous variant. On other transcripts: non-coding transcript variant (1), 5 prime UTR variant (1).
Genome position (GRCh38, 1-based): chr22:30,888,236, T>C. VCF-style: chr22-30888236-T-C. GRCh37 (hg19) VCF-style: chr22-31284223-T-C.
Other names: c.819T>C, p.Thr273= (NM_001282738.2); c.1314T>C, p.Thr438= (NM_001282739.2); c.216T>C, p.Thr72= (NM_001282740.2); c.540T>C, p.Thr180= (NM_001282741.2); c.-52T>C (NM_001282742.2).
Identifiers: ClinVar variation 2653061 (VCV002653061.24), dbSNP rs566695358, ClinGen allele CA10185918.